The following is an entry in ClinVar:

NM_198173.3(GRHL3):c.1206+135C>T

Gene: GRHL3 (grainyhead like transcription factor 3; plus strand). Cytogenetic location: 1p36.11.
Variant type: single nucleotide variant.
Coding change: c.1206+135C>T on transcript NM_198173.3 (MANE Select); 135 bases into the intron after coding-DNA position 1206, C replaced by T.
Molecular consequence: intron variant.
Genome position (GRCh38, 1-based): chr1:24,342,408, C>T. VCF-style: chr1-24342408-C-T. GRCh37 (hg19) VCF-style: chr1-24668898-C-T.
Other names: c.1206+135C>T (NM_198174.3); c.1068+135C>T (NM_001195010.2); c.1221+135C>T (NM_021180.4).
Identifiers: ClinVar variation 1706822 (VCV001706822.2), dbSNP rs74062154, ClinGen allele CA19363649.

ClinVar aggregate classification (germline): Likely benign (1 of 4 stars; one submission).

Allele frequency attached by ClinVar (database versions not stated): gnomAD exomes 0.00090; 1000 Genomes Project 30x 0.00484; 1000 Genomes Project 0.00539; gnomAD 0.00770; TOPMed 0.00907.
gnomAD v4.1: 1,723 of 713,740 alleles (0.24%); highest among the groups gnomAD compares: African/African-American, 2.7%; 29 homozygotes.

Submission:

GeneDx
Classification: Likely benign. Last evaluated: 2021-05-13. Review status: criteria provided, single submitter. Criteria: GeneDx Variant Classification Process June 2021. Collection method: clinical testing. Allele origin: germline. Affected: yes.
Comment: See Variant Classification Assertion Criteria.